The following is an entry in ClinVar:

ClinVar aggregate classification (germline): Uncertain significance. Review status: criteria provided, multiple submitters, no conflicts (2 of 4 stars). 2 submissions from 2 submitters: Uncertain significance (2). Last evaluated 2025-11-24.

Conditions:
NR0B2-related disorder. Also called: NR0B2-related condition.

gnomAD v4.1: 195 of 1,508,806 alleles (0.013%); highest among the groups gnomAD compares: Non-Finnish European, 0.017%; no homozygotes.

Submissions (2):

PreventionGenetics, part of Exact Sciences
Classification: Uncertain significance for NR0B2-related condition. Last evaluated: 2025-11-24. Review status: criteria provided, single submitter. Criteria: ACMG Guidelines, 2015. Collection method: clinical testing. Allele origin: germline.
Comment: The NR0B2 c.106C>T variant is predicted to result in the amino acid substitution p.Arg36Cys. This variant was reported in a study of the relation between NR0B2 variants and birthweight, adiposity, and insulin levels (Hung et al. 2003. PubMed ID: 12716767). This variant is reported in 0.013% of alleles in individuals of East Asian descent in gnomAD. At this time, the clinical significance of this variant is uncertain due to the absence of conclusive functional and genetic evidence.

Labcorp Genetics (formerly Invitae), Labcorp
Classification: Uncertain significance. Last evaluated: 2024-05-28. Review status: criteria provided, single submitter. Criteria: Invitae Variant Classification Sherloc (09022015). Collection method: clinical testing. Allele origin: germline.
Comment: This sequence change replaces arginine, which is basic and polar, with cysteine, which is neutral and slightly polar, at codon 36 of the NR0B2 protein (p.Arg36Cys). This variant is present in population databases (rs751780945, gnomAD 0.01%). This missense change has been observed in individual(s) with early onset obesity (PMID: 12716767). An algorithm developed to predict the effect of missense changes on protein structure and function (PolyPhen-2) suggests that this variant is likely to be disruptive. In summary, the available evidence is currently insufficient to determine the role of this variant in disease. Therefore, it has been classified as a Variant of Uncertain Significance.

Literature cited by the submitters: PubMed 12716767 (cited by Labcorp Genetics (formerly Invitae), Labcorp).

NM_021969.3(NR0B2):c.106C>T (p.Arg36Cys)

Genes: NR0B2 (nuclear receptor subfamily 0 group B member 2; minus strand), NUDC (nuclear distribution C, dynein complex regulator; plus strand). Cytogenetic location: 1p36.11.
Variant type: single nucleotide variant.
Coding change: c.106C>T on transcript NM_021969.3 (MANE Select); coding-DNA position 106, C replaced by T.
Protein change: p.Arg36Cys; replaces arginine 36 with cysteine.
Molecular consequence: missense variant.
Genome position (GRCh38, 1-based): chr1:26,913,835, G>A on the plus strand (C>T on the coding strand, the complement: NR0B2 is on the minus strand). VCF-style: chr1-26913835-G-A. GRCh37 (hg19) VCF-style: chr1-27240326-G-A.
Other names: c.106C>T (NM_021969.2); short protein forms R36C.
Identifiers: ClinVar variation 3720187 (VCV003720187.3).